The following is an entry in ClinVar:

ClinVar aggregate classification (germline): Benign (1 of 4 stars; one submission).

Allele frequency attached by ClinVar (database versions not stated): TOPMed 0.77277; gnomAD 0.78819 and 0.79251; 1000 Genomes Project 30x 0.79076; 1000 Genomes Project 0.79573.
gnomAD v4.1: 116,422 of 146,828 alleles (79%); highest among the groups gnomAD compares: East Asian, 89%; 44,754 homozygotes.

Submission:

GeneDx
Classification: Benign. Last evaluated: 2018-06-19. Review status: criteria provided, single submitter. Criteria: GeneDx Variant Classification (06012015). Collection method: clinical testing. Allele origin: germline. Affected: yes.
Comment: This variant is considered likely benign or benign based on one or more of the following criteria: it is a conservative change, it occurs at a poorly conserved position in the protein, it is predicted to be benign by multiple in silico algorithms, and/or has population frequency not consistent with disease.

NM_014694.4(ADAMTSL2):c.310-169A>G

Gene: ADAMTSL2 (ADAMTS like 2; plus strand). Cytogenetic location: 9q34.2.
Variant type: single nucleotide variant.
Coding change: c.310-169A>G on transcript NM_014694.4 (MANE Select); 169 bases into the intron before coding-DNA position 310, A replaced by G.
Molecular consequence: intron variant.
Genome position (GRCh38, 1-based): chr9:133,539,602, A>G. VCF-style: chr9-133539602-A-G. GRCh37 (hg19) VCF-style: chr9-136404724-A-G.
Other names: c.310-169A>G (NM_001145320.2).
Identifiers: ClinVar variation 680464 (VCV000680464.1), dbSNP rs9802522, ClinGen allele CA13040573.